The following is an entry in ClinVar:

ClinVar aggregate classification (germline): Uncertain significance (1 of 4 stars; one submission).

Conditions:
BAP1-related tumor predisposition syndrome (TPDS1). Also called: COMMON Syndrome; TUMOR PREDISPOSITION SYNDROME 1; BAP1 tumor predisposition syndrome; Tumor susceptibility linked to germline BAP1 mutations. Identifiers: Orphanet 289539, MedGen C3280492, MONDO:0013692, OMIM 614327.

Submission:

Labcorp Genetics (formerly Invitae), Labcorp
Classification: Uncertain significance for BAP1-related tumor predisposition syndrome. Last evaluated: 2022-04-16. Review status: criteria provided, single submitter. Criteria: Invitae Variant Classification Sherloc (09022015). Collection method: clinical testing. Allele origin: germline.
Comment: This sequence change replaces isoleucine, which is neutral and non-polar, with arginine, which is basic and polar, at codon 544 of the BAP1 protein (p.Ile544Arg). This variant is not present in population databases (gnomAD no frequency). This variant has not been reported in the literature in individuals affected with BAP1-related conditions. Algorithms developed to predict the effect of missense changes on protein structure and function are either unavailable or do not agree on the potential impact of this missense change (SIFT: "Deleterious"; PolyPhen-2: "Benign"; Align-GVGD: "Class C0"). Algorithms developed to predict the effect of sequence changes on RNA splicing suggest that this variant may create or strengthen a splice site. In summary, the available evidence is currently insufficient to determine the role of this variant in disease. Therefore, it has been classified as a Variant of Uncertain Significance.

NM_004656.4(BAP1):c.1631T>G (p.Ile544Arg)

Gene: BAP1 (BRCA1 associated deubiquitinase 1; minus strand). Cytogenetic location: 3p21.1.
Variant type: single nucleotide variant.
Coding change: c.1631T>G on transcript NM_004656.4 (MANE Select); coding-DNA position 1631, T replaced by G.
Protein change: p.Ile544Arg; replaces isoleucine 544 with arginine.
Molecular consequence: missense variant.
Genome position (GRCh38, 1-based): chr3:52,403,514, A>C on the plus strand (T>G on the coding strand, the complement: BAP1 is on the minus strand). VCF-style: chr3-52403514-A-C. GRCh37 (hg19) VCF-style: chr3-52437530-A-C.
Other names: c.1577T>G, p.Ile526Arg (NM_001410772.1); short protein forms I526R, I544R.
Identifiers: ClinVar variation 2126926 (VCV002126926.4), dbSNP rs2153226630, ClinGen allele CA353100189.
Genomic context (GRCh38, chr3:52,403,514, plus strand): 5'-AGGTGCAGCAGGCCTGTGCTGATGACAGGACCCAGATCACGGACAGCACGGTTGTAGCGT[A>C]TGCAGTCAACACGCAGCAGGCTGTCATCCTCTCCAAAAAGCACCTTGGAGATGTGGGAGG-3'
Protein context (NP_004647.1, residues 534-554): EDDSLLRVDC[Ile544Arg]RYNRAVRDLG